The following is an entry in ClinVar:

ClinVar aggregate classification (germline): Uncertain significance. Review status: criteria provided, multiple submitters, no conflicts (2 of 4 stars). 4 submissions from 4 submitters: Uncertain significance (4). Last evaluated 2026-02-14.

Conditions:
MYO18B-related disorder. Also called: MYO18B-related condition.
Inborn genetic diseases. Identifiers: MedGen C0950123, MeSH D030342.

Allele frequency attached by ClinVar (database versions not stated): gnomAD exomes 0.00005 and 0.00006; ExAC 0.00007; ESP Exome Variant Server 0.00016; gnomAD 0.00027 and 0.00031; TOPMed 0.00027; 1000 Genomes Project 0.00040; 1000 Genomes Project 30x 0.00047.
gnomAD v4.1: 117 of 1,581,512 alleles (0.0074%); highest among the groups gnomAD compares: African/African-American, 0.078%; no homozygotes.

Submissions (4):

PreventionGenetics, part of Exact Sciences
Classification: Uncertain significance for MYO18B-related condition. Last evaluated: 2026-02-14. Review status: criteria provided, single submitter. Criteria: ACMG Guidelines, 2015. Collection method: clinical testing. Allele origin: germline.
Comment: The MYO18B c.5257C>T variant is predicted to result in the amino acid substitution p.Arg1753Trp. To our knowledge, this variant has not been reported in the literature. This variant is reported in 0.061% of alleles in individuals of African descent in gnomAD. Although we suspect that this variant may be benign, at this time, the clinical significance of this variant is uncertain due to the absence of conclusive functional and genetic evidence.

Ambry Genetics
Classification: Uncertain significance for Inborn genetic diseases. Last evaluated: 2025-05-14. Review status: criteria provided, single submitter. Criteria: Ambry Variant Classification Scheme 2023. Collection method: clinical testing. Allele origin: germline.

Blueprint Genetics
Classification: Uncertain significance. Last evaluated: 2022-11-17. Review status: criteria provided, single submitter. Criteria: ACMG Guidelines, 2015. Collection method: clinical testing. Allele origin: germline.

Labcorp Genetics (formerly Invitae), Labcorp
Classification: Uncertain significance. Last evaluated: 2022-07-05. Review status: criteria provided, single submitter. Criteria: Invitae Variant Classification Sherloc (09022015). Collection method: clinical testing. Allele origin: germline.
Comment: This sequence change replaces arginine, which is basic and polar, with tryptophan, which is neutral and slightly polar, at codon 1753 of the MYO18B protein (p.Arg1753Trp). This variant is present in population databases (rs374890735, gnomAD 0.06%). This variant has not been reported in the literature in individuals affected with MYO18B-related conditions. ClinVar contains an entry for this variant (Variation ID: 1416560). Algorithms developed to predict the effect of missense changes on protein structure and function are either unavailable or do not agree on the potential impact of this missense change (SIFT: "Not Available"; PolyPhen-2: "Probably Damaging"; Align-GVGD: "Not Available"). Algorithms developed to predict the effect of sequence changes on RNA splicing suggest that this variant may create or strengthen a splice site. In summary, the available evidence is currently insufficient to determine the role of this variant in disease. Therefore, it has been classified as a Variant of Uncertain Significance.

NM_032608.7(MYO18B):c.5257C>T (p.Arg1753Trp)

Gene: MYO18B (myosin XVIIIB; plus strand). Cytogenetic location: 22q12.1.
Variant type: single nucleotide variant.
Coding change: c.5257C>T on transcript NM_032608.7 (MANE Select); coding-DNA position 5257, C replaced by T.
Protein change: p.Arg1753Trp; replaces arginine 1753 with tryptophan.
Molecular consequence: missense variant.
Genome position (GRCh38, 1-based): chr22:25,908,430, C>T. VCF-style: chr22-25908430-C-T. GRCh37 (hg19) VCF-style: chr22-26304397-C-T.
Other names: c.5257C>T (NM_032608.5, NM_032608.6); c.5260C>T, p.Arg1754Trp (NM_001318245.2); short protein forms R1753W, R1754W.
Identifiers: ClinVar variation 1416560 (VCV001416560.6), dbSNP rs374890735, ClinGen allele CA10161111.
Genomic context (GRCh38, chr22:25,908,430, plus strand): 5'-CAGAAGGACCGTGAGGACCAGGAGGAGGAACTGGAGGATGTCCGTCAGTCCTGCCAGAAG[C>T]GGGTACGTGAGCAGTGAACACAGCTGTGCCCTTGGATCCTGGCAGGTCTGGCATGGATTC-3'
Protein context (NP_115997.5, residues 1743-1763): LEDVRQSCQK[Arg1753Trp]LHQLEMQLEQ